The following is an entry in ClinVar:

NM_000350.3(ABCA4):c.118A>T (p.Ile40Phe)

Gene: ABCA4 (ATP binding cassette subfamily A member 4; minus strand). Cytogenetic location: 1p22.1.
Variant type: single nucleotide variant.
Coding change: c.118A>T on transcript NM_000350.3 (MANE Select); coding-DNA position 118, A replaced by T.
Protein change: p.Ile40Phe; replaces isoleucine 40 with phenylalanine.
Molecular consequence: missense variant.
Genome position (GRCh38, 1-based): chr1:94,113,015, T>A on the plus strand (A>T on the coding strand, the complement: ABCA4 is on the minus strand). VCF-style: chr1-94113015-T-A. GRCh37 (hg19) VCF-style: chr1-94578571-T-A.
Other names: c.118A>T, p.Ile40Phe (NM_001425324.1); short protein forms I40F.
Identifiers: ClinVar variation 847680 (VCV000847680.10), dbSNP rs761112891, ClinGen allele CA341286606.
Genomic context (GRCh38, chr1:94,113,015, plus strand): 5'-CTACCCTGCTATGCTTACATTCATGATGGCTGTAGAGTGGGTTGGCATTCCTTAACCAGA[T>A]CAAGACCAGAAATAAAGATAAAGGCCACACGAGTTCCACCACAAAGCGAATCTGGAAAAA-3'
Protein context (NP_000341.2, residues 30-50): VWPLSLFLVL[Ile40Phe]WLRNANPLYS

ClinVar aggregate classification (germline): Uncertain significance. Review status: criteria provided, multiple submitters, no conflicts (2 of 4 stars). 2 submissions from 2 submitters: Uncertain significance (2). Last evaluated 2026-06-17.

Conditions:
Inborn genetic diseases. Identifiers: MedGen C0950123, MeSH D030342.

Allele frequency attached by ClinVar (database versions not stated): TOPMed 0.00002; gnomAD 0.00001.

Submissions (2):

Ambry Genetics
Classification: Uncertain significance for Inborn genetic diseases. Last evaluated: 2026-06-17. Review status: criteria provided, single submitter. Criteria: Ambry Variant Classification Scheme 2023. Collection method: clinical testing. Allele origin: germline.

Labcorp Genetics (formerly Invitae), Labcorp
Classification: Uncertain significance. Last evaluated: 2025-03-03. Review status: criteria provided, single submitter. Criteria: Invitae Variant Classification Sherloc (09022015). Collection method: clinical testing. Allele origin: germline.
Comment: This sequence change replaces isoleucine, which is neutral and non-polar, with phenylalanine, which is neutral and non-polar, at codon 40 of the ABCA4 protein (p.Ile40Phe). This variant is not present in population databases (gnomAD no frequency). This variant has not been reported in the literature in individuals affected with ABCA4-related conditions. ClinVar contains an entry for this variant (Variation ID: 847680). Invitae Evidence Modeling of protein sequence and biophysical properties (such as structural, functional, and spatial information, amino acid conservation, physicochemical variation, residue mobility, and thermodynamic stability) indicates that this missense variant is expected to disrupt ABCA4 protein function with a positive predictive value of 95%. In summary, the available evidence is currently insufficient to determine the role of this variant in disease. Therefore, it has been classified as a Variant of Uncertain Significance.